The following is an entry in ClinVar:

ClinVar aggregate classification (germline): Likely pathogenic. Review status: criteria provided, multiple submitters, no conflicts (2 of 4 stars). 2 submissions from 2 submitters: Likely pathogenic (2). Last evaluated 2025-02-26.

Submissions (2):

Labcorp Genetics (formerly Invitae), Labcorp
Classification: Likely pathogenic. Last evaluated: 2025-02-26. Review status: criteria provided, single submitter. Criteria: Invitae Variant Classification Sherloc (09022015). Collection method: clinical testing. Allele origin: germline.
Comment: This sequence change replaces asparagine, which is neutral and polar, with serine, which is neutral and polar, at codon 738 of the ATP2C1 protein (p.Asn738Ser). This variant is not present in population databases (gnomAD no frequency). This missense change has been observed in individuals with Hailey-Hailey disease (internal data). It has also been observed to segregate with disease in related individuals. ClinVar contains an entry for this variant (Variation ID: 432124). Invitae Evidence Modeling of protein sequence and biophysical properties (such as structural, functional, and spatial information, amino acid conservation, physicochemical variation, residue mobility, and thermodynamic stability) indicates that this missense variant is expected to disrupt ATP2C1 protein function with a positive predictive value of 80%. In summary, the currently available evidence indicates that the variant is pathogenic, but additional data are needed to prove that conclusively. Therefore, this variant has been classified as Likely Pathogenic.

GeneDx
Classification: Likely pathogenic. Last evaluated: 2016-04-01. Review status: criteria provided, single submitter. Criteria: GeneDx Variant Classification (06012015). Collection method: clinical testing. Allele origin: germline. Affected: yes.
Comment: To our knowledge, N738S has not been published as a pathogenic variant, nor has it been reported as a benign variant. It was also not observed in approximately 6,500 individuals of European and African American ancestry in the NHLBI Exome Sequencing Project, indicating it is not a common benign variant in these populations. Although N738S is a conservative amino acid substitution, which is not likely to impact secondary protein structure, it occurs at a position that is conserved across species and across different members of this calcium pump protein family. In silico analysis predicts this variant is probably damaging to the protein structure/function. Missense variants in nearby residues (residues (Q733R, D742Y) have been reported in the Human Gene Mutation Database in association with Hailey-Hailey disease (Stenson et al., 2014), supporting the functional importance of this region of the protein. Moreover, research data suggest that the N738 residue is one of three residues forming a single-ion binding site located between the M4 and M6 transmembrane domains (Mukhopadhyay et al., 2011; Sudbrak et al., 2000). Therefore, we consider this variant to be likely pathogenic; however, the possibility that it is benign cannot be excluded.

NM_001378687.1(ATP2C1):c.2213A>G (p.Asn738Ser)

Gene: ATP2C1 (ATPase secretory pathway Ca2+ transporting 1; plus strand). Cytogenetic location: 3q22.1.
Variant type: single nucleotide variant.
Coding change: c.2213A>G on transcript NM_001378687.1 (MANE Select); coding-DNA position 2213, A replaced by G.
Protein change: p.Asn738Ser; replaces asparagine 738 with serine.
Molecular consequence: missense variant.
Genome position (GRCh38, 1-based): chr3:130,996,766, A>G. VCF-style: chr3-130996766-A-G. GRCh37 (hg19) VCF-style: chr3-130715610-A-G.
Other names: c.2213A>G, p.Asn738Ser (NM_001001485.3, NM_001001486.2, NM_001001487.2 and 5 more transcripts); c.2315A>G, p.Asn772Ser (NM_001199180.2, NM_001199181.3, NM_001378511.1); c.2198A>G, p.Asn733Ser (NM_001199182.2); c.2165A>G, p.Asn722Ser (NM_001199183.2, NM_001199184.3, NM_001378514.1); short protein forms N738S, N722S, N733S, N772S.
Identifiers: ClinVar variation 432124 (VCV000432124.8), dbSNP rs963144528, ClinGen allele CA83503177.